The following is an entry in ClinVar:

ClinVar aggregate classification (germline): Uncertain significance (1 of 4 stars; one submission).

Allele frequency attached by ClinVar (database versions not stated): ExAC 0.00002; gnomAD exomes 0.00010 and 0.00011; TOPMed 0.00019; gnomAD 0.00021 and 0.00023.
gnomAD v4.1: 178 of 1,614,010 alleles (0.011%); highest among the groups gnomAD compares: Admixed American, 0.065%; no homozygotes.

Submission:

Labcorp Genetics (formerly Invitae), Labcorp
Classification: Uncertain significance. Last evaluated: 2024-10-29. Review status: criteria provided, single submitter. Criteria: Invitae Variant Classification Sherloc (09022015). Collection method: clinical testing. Allele origin: germline.
Comment: This sequence change replaces leucine, which is neutral and non-polar, with proline, which is neutral and non-polar, at codon 607 of the AHR protein (p.Leu607Pro). This variant is present in population databases (rs778856761, gnomAD 0.04%). This variant has not been reported in the literature in individuals affected with AHR-related conditions. ClinVar contains an entry for this variant (Variation ID: 860719). An algorithm developed to predict the effect of missense changes on protein structure and function outputs the following: PolyPhen-2: "Benign". The proline amino acid residue is found in multiple mammalian species, which suggests that this missense change does not adversely affect protein function. In summary, the available evidence is currently insufficient to determine the role of this variant in disease. Therefore, it has been classified as a Variant of Uncertain Significance.

NM_001621.5(AHR):c.1820T>C (p.Leu607Pro)

Gene: AHR (aryl hydrocarbon receptor; plus strand). Cytogenetic location: 7p21.1.
Variant type: single nucleotide variant.
Coding change: c.1820T>C on transcript NM_001621.5 (MANE Select); coding-DNA position 1820, T replaced by C.
Protein change: p.Leu607Pro; replaces leucine 607 with proline.
Molecular consequence: missense variant.
Genome position (GRCh38, 1-based): chr7:17,339,645, T>C. VCF-style: chr7-17339645-T-C. GRCh37 (hg19) VCF-style: chr7-17379269-T-C.
Other names: short protein forms L607P.
Identifiers: ClinVar variation 860719 (VCV000860719.6), dbSNP rs778856761, ClinGen allele CA4172188.